The following is an entry in ClinVar:

ClinVar aggregate classification (germline): Benign (1 of 4 stars; one submission).

Submission:

GeneDx
Classification: Benign. Last evaluated: 2017-10-24. Review status: criteria provided, single submitter. Criteria: GeneDx Variant Classification (06012015). Collection method: clinical testing. Allele origin: germline. Affected: yes.
Comment: This variant is considered likely benign or benign based on one or more of the following criteria: it is a conservative change, it occurs at a poorly conserved position in the protein, it is predicted to be benign by multiple in silico algorithms, and/or has population frequency not consistent with disease.

NM_001173467.3(SP7):c.-47-15dup

Gene: SP7 (Sp7 transcription factor; minus strand). Cytogenetic location: 12q13.13.
Variant type: Duplication.
Coding change: c.-47-15dup on transcript NM_001173467.3 (MANE Select); 15 bases into the intron before 47 bases upstream of the start codon, one base duplicated (C; older notation c.-47-15dupC).
Molecular consequence: intron variant. On other transcripts: 5 prime UTR variant (1).
Genome position (GRCh38, 1-based): chr12:53,335,708, G duplicated on the plus strand (C on the coding strand, the reverse complement: SP7 is on the minus strand); the first of 8 consecutive G bases (chr12:53,335,708-53,335,715); duplicating any one gives the same sequence. VCF-style (leftmost placement, unchanged base first): chr12-53335707-T-TG. GRCh37 (hg19) VCF-style: chr12-53729491-T-TG.
Other names: c.-62dup (NM_152860.2); c.-34+438dup (NM_001300837.2); c.-47-15dupC (NM_001173467.2).
Identifiers: ClinVar variation 309768 (VCV000309768.5), dbSNP rs886049660, ClinGen allele CA10633267.